The following is an entry in ClinVar:

ClinVar aggregate classification (germline): Uncertain significance (1 of 4 stars; one submission).

Conditions:
Charcot-Marie-Tooth disease type 4. Also called: Charcot-Marie-Tooth, Type 4; Charcot-Marie-Tooth disease, type IV. Identifiers: Orphanet 64749, MedGen C4082197, MONDO:0018995.

Allele frequency attached by ClinVar (database versions not stated): gnomAD exomes below 0.00001.
gnomAD v4.1: 2 of 1,613,964 alleles (0.00012%); highest among the groups gnomAD compares: Non-Finnish European, 0.00017%; no homozygotes.

Submission:

Labcorp Genetics (formerly Invitae), Labcorp
Classification: Uncertain significance for Charcot-Marie-Tooth disease type 4. Last evaluated: 2019-07-22. Review status: criteria provided, single submitter. Criteria: Invitae Variant Classification Sherloc (09022015). Collection method: clinical testing. Allele origin: germline.
Comment: In summary, the available evidence is currently insufficient to determine the role of this variant in disease. Therefore, it has been classified as a Variant of Uncertain Significance. Algorithms developed to predict the effect of missense changes on protein structure and function (SIFT, PolyPhen-2, Align-GVGD) all suggest that this variant is likely to be tolerated, but these predictions have not been confirmed by published functional studies and their clinical significance is uncertain. This variant has not been reported in the literature in individuals with SH3TC2-related conditions. This variant is not present in population databases (ExAC no frequency). This sequence change replaces arginine with serine at codon 403 of the SH3TC2 protein (p.Arg403Ser). The arginine residue is moderately conserved and there is a moderate physicochemical difference between arginine and serine.

NM_024577.4(SH3TC2):c.1209G>C (p.Arg403Ser)

Gene: SH3TC2 (SH3 domain and tetratricopeptide repeats 2; minus strand). Cytogenetic location: 5q32.
Variant type: single nucleotide variant.
Coding change: c.1209G>C on transcript NM_024577.4 (MANE Select); coding-DNA position 1209, G replaced by C.
Protein change: p.Arg403Ser; replaces arginine 403 with serine.
Molecular consequence: missense variant.
Genome position (GRCh38, 1-based): chr5:149,028,523, C>G on the plus strand (G>C on the coding strand, the complement: SH3TC2 is on the minus strand). VCF-style: chr5-149028523-C-G. GRCh37 (hg19) VCF-style: chr5-148408086-C-G.
Other names: short protein forms R403S.
Identifiers: ClinVar variation 948156 (VCV000948156.9), dbSNP rs1212536660, ClinGen allele CA361669551.